The following is an entry in ClinVar:

NM_000091.5(COL4A3):c.7G>A (p.Ala3Thr)

Genes: COL4A3 (collagen type IV alpha 3 chain; plus strand), LOC129935730 (ATAC-STARR-seq lymphoblastoid silent region 12397; plus strand). Cytogenetic location: 2q36.3.
Variant type: single nucleotide variant.
Coding change: c.7G>A on transcript NM_000091.5 (MANE Select); coding-DNA position 7, G replaced by A.
Protein change: p.Ala3Thr; replaces alanine 3 with threonine.
Molecular consequence: missense variant.
Genome position (GRCh38, 1-based): chr2:227,164,733, G>A. VCF-style: chr2-227164733-G-A. GRCh37 (hg19) VCF-style: chr2-228029449-G-A.
Other names: short protein forms A3T.
Identifiers: ClinVar variation 3355882 (VCV003355882.2).
Genomic context (GRCh38, chr2:227,164,733, plus strand): 5'-GCCTGAGAGCCTGAGGGTCCCCGGACTCGCCCAGGCTCTGAGCGCGCGCCCACCATGAGC[G>A]CCCGGACCGCCCCCAGGCCGCAGGTGCTCCTGCTGCCGCTCCTGCTGGTGCTCCTGGCGG-3'
Protein context (NP_000082.2, residues 1-13): MS[Ala3Thr]RTAPRPQVLL

ClinVar aggregate classification (germline): Uncertain significance (1 of 4 stars; one submission).

Conditions:
COL4A3-related disorder. Also called: COL4A3-related condition; COL4A3-Related Disorders.

gnomAD v4.1: 1 of 1,529,864 alleles (0.000065%); highest among the groups gnomAD compares: Non-Finnish European, 0.000087%; no homozygotes.

Submission:

PreventionGenetics, part of Exact Sciences
Classification: Uncertain significance for COL4A3-related condition. Last evaluated: 2024-10-21. Review status: criteria provided, single submitter. Criteria: ACMG Guidelines, 2015. Collection method: clinical testing. Allele origin: germline.
Comment: The COL4A3 c.7G>A variant is predicted to result in the amino acid substitution p.Ala3Thr. To our knowledge, this variant has not been reported in the literature or in a large population database (gnomAD), indicating this variant is rare. At this time, the clinical significance of this variant is uncertain due to the absence of conclusive functional and genetic evidence.